The following is an entry in ClinVar:

NM_007194.4(CHEK2):c.763A>T (p.Lys255Ter)

Gene: CHEK2 (checkpoint kinase 2; minus strand). Cytogenetic location: 22q12.1.
Variant type: single nucleotide variant.
Coding change: c.763A>T on transcript NM_007194.4 (MANE Select); coding-DNA position 763, A replaced by T.
Protein change: p.Lys255Ter; replaces lysine 255 with a stop codon.
Molecular consequence: nonsense.
Genome position (GRCh38, 1-based): chr22:28,711,938, T>A on the plus strand (A>T on the coding strand, the complement: CHEK2 is on the minus strand). VCF-style: chr22-28711938-T-A. GRCh37 (hg19) VCF-style: chr22-29107926-T-A.
Other names: c.892A>T, p.Lys298Ter (NM_001005735.3); c.100A>T, p.Lys34Ter (NM_001257387.3); c.562A>T, p.Lys188Ter (NM_001349956.3); c.763A>T, p.Lys255Ter (NM_145862.3); short protein forms K188*, K255*, K298*, K34*.
Identifiers: ClinVar variation 851892 (VCV000851892.10), dbSNP rs2053408810, ClinGen allele CA411103149.

ClinVar aggregate classification (germline): Pathogenic. Review status: criteria provided, multiple submitters, no conflicts (2 of 4 stars). 2 submissions from 2 submitters: Pathogenic (2). Last evaluated 2025-05-20.

Conditions:
Hereditary cancer-predisposing syndrome. Also called: Neoplastic Syndromes, Hereditary; Hereditary Cancer Syndrome; Tumor predisposition; Hereditary neoplastic syndrome. Identifiers: Orphanet 140162, MedGen C0027672, MeSH D009386, MONDO:0015356.
Familial cancer of breast. Also called: Hereditary breast cancer; hereditary breast carcinoma; BREAST CANCER, FAMILIAL. Identifiers: Orphanet 227535, MedGen C0346153, MONDO:0016419, OMIM 114480. Disease mechanism: loss of function.

Submissions (2):

Ambry Genetics
Classification: Pathogenic for Hereditary cancer-predisposing syndrome. Last evaluated: 2025-05-20. Review status: criteria provided, single submitter. Criteria: Ambry Variant Classification Scheme 2023. Collection method: clinical testing. Allele origin: germline.
Comment: The p.K255* pathogenic mutation (also known as c.763A>T), located in coding exon 5 of the CHEK2 gene, results from an A to T substitution at nucleotide position 763. This changes the amino acid from a lysine to a stop codon within coding exon 5. This alteration is expected to result in loss of function by premature protein truncation or nonsense-mediated mRNA decay. In addition, this variant is considered to be rare based on population cohorts in the Genome Aggregation Database (gnomAD). As such, this alteration is interpreted as a disease-causing mutation.

Labcorp Genetics (formerly Invitae), Labcorp
Classification: Pathogenic for Familial cancer of breast. Last evaluated: 2019-12-19. Review status: criteria provided, single submitter. Criteria: Invitae Variant Classification Sherloc (09022015). Collection method: clinical testing. Allele origin: germline.
Comment: For these reasons, this variant has been classified as Pathogenic. Loss-of-function variants in CHEK2 are known to be pathogenic (PMID: 21876083, 24713400). Algorithms developed to predict the effect of sequence changes on RNA splicing suggest that this variant may create or strengthen a splice site, but this prediction has not been confirmed by published transcriptional studies. This variant has not been reported in the literature in individuals with CHEK2-related conditions. This variant is not present in population databases (ExAC no frequency). This sequence change creates a premature translational stop signal (p.Lys255*) in the CHEK2 gene. It is expected to result in an absent or disrupted protein product.

Literature cited by the submitters: PubMed 21876083 (cited by Labcorp Genetics (formerly Invitae), Labcorp); PubMed 24713400 (cited by Labcorp Genetics (formerly Invitae), Labcorp).